The following is an entry in ClinVar:

ClinVar aggregate classification (germline): Benign/Likely benign. Review status: criteria provided, multiple submitters, no conflicts (2 of 4 stars). 4 submissions from 4 submitters: Benign (2); Likely benign (2). Last evaluated 2025-12-21.

Conditions:
Encephalopathy, acute, infection-induced (herpes-specific), susceptibility to, 1. Also called: Herpes simplex encephalitis, susceptibility to, 1. Identifiers: Orphanet 1930, MedGen C2750180, MONDO:0024563, OMIM 610551.

Allele frequency attached by ClinVar (database versions not stated): gnomAD exomes 0.00010 and 0.00023; ExAC 0.00026; TOPMed 0.00107; ESP Exome Variant Server 0.00131; 1000 Genomes Project 30x 0.00141; gnomAD 0.00096 and 0.00106; 1000 Genomes Project 0.00120.
gnomAD v4.1: 300 of 1,614,188 alleles (0.019%); highest among the groups gnomAD compares: African/African-American, 0.36%; 1 homozygote.

Submissions (4):

Labcorp Genetics (formerly Invitae), Labcorp
Classification: Benign for Encephalopathy, acute, infection-induced (herpes-specific), susceptibility to, 1. Last evaluated: 2025-12-21. Review status: criteria provided, single submitter. Criteria: Invitae Variant Classification Sherloc (09022015). Collection method: clinical testing. Allele origin: germline.

CeGaT Center for Human Genetics Tuebingen
Classification: Likely benign. Last evaluated: 2024-11-01. Review status: criteria provided, single submitter. Criteria: CeGaT Center For Human Genetics Tuebingen Variant Classification Criteria Version 2. Collection method: clinical testing. Allele origin: germline. Affected: yes. Observed: 3 variant alleles.
Comment: TLR3: BP4, BP7

Blueprint Genetics
Classification: Likely benign. Last evaluated: 2024-09-16. Review status: criteria provided, single submitter. Criteria: ACMG Guidelines, 2015. Collection method: clinical testing. Allele origin: germline.

Breakthrough Genomics
Classification: Benign. Review status: criteria provided, single submitter. Criteria: ACMG Guidelines, 2015. Collection method: not provided. Allele origin: germline. Inheritance: Autosomal dominant inheritance. Affected: yes.

NM_003265.3(TLR3):c.2217T>C (p.His739=)

Gene: TLR3 (toll like receptor 3; plus strand). Cytogenetic location: 4q35.1.
Variant type: single nucleotide variant.
Coding change: c.2217T>C on transcript NM_003265.3 (MANE Select); coding-DNA position 2217, T replaced by C.
Protein change: p.His739=; no amino-acid change (histidine 739 retained).
Molecular consequence: synonymous variant.
Genome position (GRCh38, 1-based): chr4:186,083,903, T>C. VCF-style: chr4-186083903-T-C. GRCh37 (hg19) VCF-style: chr4-187005057-T-C.
Identifiers: ClinVar variation 783433 (VCV000783433.36), dbSNP rs116269970, ClinGen allele CA3161534.